The following is an entry in ClinVar:

ClinVar aggregate classification (germline): Uncertain significance (1 of 4 stars; one submission).

Conditions:
Joubert syndrome. Also called: CEREBELLOPARENCHYMAL DISORDER IV; JOUBERT-BOLTSHAUSER SYNDROME; Familial aplasia of the vermis. Identifiers: Orphanet 475, MedGen C5979921, MONDO:0018772.

Submission:

Labcorp Genetics (formerly Invitae), Labcorp
Classification: Uncertain significance for Joubert syndrome. Last evaluated: 2025-12-03. Review status: criteria provided, single submitter. Criteria: Invitae Variant Classification Sherloc (09022015). Collection method: clinical testing. Allele origin: germline.
Comment: This sequence change replaces valine, which is neutral and non-polar, with methionine, which is neutral and non-polar, at codon 595 of the INPP5E protein (p.Val595Met). This variant is not present in population databases (gnomAD no frequency). This variant has not been reported in the literature in individuals affected with INPP5E-related conditions. Invitae Evidence Modeling of protein sequence and biophysical properties (such as structural, functional, and spatial information, amino acid conservation, physicochemical variation, residue mobility, and thermodynamic stability) has been performed for this missense variant. However, the output from this modeling did not meet the statistical confidence thresholds required to predict the impact of this variant on INPP5E protein function. In summary, the available evidence is currently insufficient to determine the role of this variant in disease. Therefore, it has been classified as a Variant of Uncertain Significance.

NM_019892.6(INPP5E):c.1783G>A (p.Val595Met)

Gene: INPP5E (inositol polyphosphate-5-phosphatase E; minus strand). Cytogenetic location: 9q34.3.
Variant type: single nucleotide variant.
Coding change: c.1783G>A on transcript NM_019892.6 (MANE Select); coding-DNA position 1783, G replaced by A.
Protein change: p.Val595Met; replaces valine 595 with methionine.
Molecular consequence: missense variant.
Genome position (GRCh38, 1-based): chr9:136,430,296, C>T on the plus strand (G>A on the coding strand, the complement: INPP5E is on the minus strand). VCF-style: chr9-136430296-C-T. GRCh37 (hg19) VCF-style: chr9-139324748-C-T.
Other names: c.1780G>A, p.Val594Met (NM_001318502.2); short protein forms V595M, V594M.
Identifiers: ClinVar variation 4702964 (VCV004702964.1).
Genomic context (GRCh38, chr9:136,430,296, plus strand): 5'-CCCCCAGGCCCAAGGGGGAAGGTGAGCGGGAGAACACTGACTTGTCTCGCCCCGGCCTCA[C>T]TTTCACCCGGAAGAGGCCATACACAGGGCGGTGGTCGGACGTCTTGATCCCGGGGCAGGA-3'
Protein context (NP_063945.2, residues 585-605): RPVYGLFRVK[Val595Met]RPGRDNIPLA